The following is an entry in ClinVar:

ClinVar aggregate classification (germline): Uncertain significance. Review status: criteria provided, single submitter (1 of 4 stars). 2 submissions from 2 submitters: Uncertain significance (1). 1 of the submissions does not count toward it. Last evaluated 2021-08-24.

Conditions:
Citrullinemia. Identifiers: Orphanet 187, MedGen C0175683, MONDO:0015991.
Citrin deficiency. Identifiers: Orphanet 247582, MedGen C1997910, MONDO:0016602.

Allele frequency attached by ClinVar (database versions not stated): ExAC 0.00004; gnomAD exomes 0.00005; TOPMed 0.00006; gnomAD 0.00008.
gnomAD v4.1: 110 of 1,607,522 alleles (0.0068%); highest among the groups gnomAD compares: Non-Finnish European, 0.0091%; 1 homozygote.

Submissions (2):

Labcorp Genetics (formerly Invitae), Labcorp
Classification: Uncertain significance for Citrin deficiency. Last evaluated: 2021-08-24. Review status: criteria provided, single submitter. Criteria: Invitae Variant Classification Sherloc (09022015). Collection method: clinical testing. Allele origin: germline.
Comment: This sequence change replaces glycine with glutamic acid at codon 283 of the SLC25A13 protein (p.Gly283Glu). The glycine residue is highly conserved and there is a moderate physicochemical difference between glycine and glutamic acid. This variant also falls at the last nucleotide of exon 8, which is part of the consensus splice site for this exon. This variant is present in population databases (rs544756381, ExAC 0.008%). This variant has not been reported in the literature in individuals affected with SLC25A13-related conditions. Algorithms developed to predict the effect of missense changes on protein structure and function are either unavailable or do not agree on the potential impact of this missense change (SIFT: "Tolerated"; PolyPhen-2: "Probably Damaging"; Align-GVGD: "Class C0"). Variants that disrupt the consensus splice site are a relatively common cause of aberrant splicing (PMID: 17576681, 9536098). In summary, the available evidence is currently insufficient to determine the role of this variant in disease. Therefore, it has been classified as a Variant of Uncertain Significance.

Natera, Inc.
Classification: Uncertain significance for Citrullinemia. Last evaluated: 2020-02-09. Review status: no assertion criteria provided. Collection method: clinical testing. Allele origin: germline. Not counted in ClinVar's aggregate classification.

Literature cited by the submitters: PubMed 17576681 (cited by Labcorp Genetics (formerly Invitae), Labcorp); PubMed 9536098 (cited by Labcorp Genetics (formerly Invitae), Labcorp).

NM_014251.3(SLC25A13):c.848G>A (p.Gly283Glu)

Gene: SLC25A13 (solute carrier family 25 member 13; minus strand). Cytogenetic location: 7q21.3.
Variant type: single nucleotide variant.
Coding change: c.848G>A on transcript NM_014251.3 (MANE Select); coding-DNA position 848, G replaced by A.
Protein change: p.Gly283Glu; replaces glycine 283 with glutamic acid.
Molecular consequence: missense variant. On other transcripts: non-coding transcript variant (1).
Genome position (GRCh38, 1-based): chr7:96,189,581, C>T on the plus strand (G>A on the coding strand, the complement: SLC25A13 is on the minus strand). VCF-style: chr7-96189581-C-T. GRCh37 (hg19) VCF-style: chr7-95818893-C-T.
Other names: c.848G>A, p.Gly283Glu (NM_001160210.2); short protein forms G283E.
Identifiers: ClinVar variation 664251 (VCV000664251.4), dbSNP rs544756381, ClinGen allele CA4353149.